The following is an entry in ClinVar:

ClinVar aggregate classification (germline): Uncertain significance (1 of 4 stars; one submission).

Conditions:
Hereditary hyperekplexia. Identifiers: Orphanet 3197, MedGen C4084968, MONDO:0021022.

Allele frequency attached by ClinVar (database versions not stated): gnomAD exomes 0.00001; TOPMed 0.00001; ExAC 0.00002.

Submission:

Labcorp Genetics (formerly Invitae), Labcorp
Classification: Uncertain significance for Hereditary hyperekplexia. Last evaluated: 2023-12-21. Review status: criteria provided, single submitter. Criteria: Invitae Variant Classification Sherloc (09022015). Collection method: clinical testing. Allele origin: germline.
Comment: This sequence change replaces arginine, which is basic and polar, with tryptophan, which is neutral and slightly polar, at codon 241 of the GLRA1 protein (p.Arg241Trp). This variant is present in population databases (rs776919102, gnomAD 0.006%). This variant has not been reported in the literature in individuals affected with GLRA1-related conditions. ClinVar contains an entry for this variant (Variation ID: 575323). Advanced modeling of protein sequence and biophysical properties (such as structural, functional, and spatial information, amino acid conservation, physicochemical variation, residue mobility, and thermodynamic stability) has been performed at Invitae for this missense variant, however the output from this modeling did not meet the statistical confidence thresholds required to predict the impact of this variant on GLRA1 protein function. In summary, the available evidence is currently insufficient to determine the role of this variant in disease. Therefore, it has been classified as a Variant of Uncertain Significance.

NM_000171.4(GLRA1):c.721C>T (p.Arg241Trp)

Gene: GLRA1 (glycine receptor alpha 1; minus strand). Cytogenetic location: 5q33.1.
Variant type: single nucleotide variant.
Coding change: c.721C>T on transcript NM_000171.4 (MANE Select); coding-DNA position 721, C replaced by T.
Protein change: p.Arg241Trp; replaces arginine 241 with tryptophan.
Molecular consequence: missense variant.
Genome position (GRCh38, 1-based): chr5:151,851,581, G>A on the plus strand (C>T on the coding strand, the complement: GLRA1 is on the minus strand). VCF-style: chr5-151851581-G-A. GRCh37 (hg19) VCF-style: chr5-151231142-G-A.
Other names: c.721C>T, p.Arg241Trp (NM_001146040.2); c.472C>T, p.Arg158Trp (NM_001292000.2); short protein forms R241W, R158W.
Identifiers: ClinVar variation 575323 (VCV000575323.8), dbSNP rs776919102, ClinGen allele CA3523606.
Genomic context (GRCh38, chr5:151,851,581, plus strand): 5'-GCAGGCTGGGAATATACATCTGAATCAGGTAGTAACCCATCTGCCGCTCCAGGTGGAACC[G>A]GGCCTCAATGCAGGTGAATTTACCTGCAAGAAATTGCAGTGAGAAGGCAGTGTAGCCTGG-3'
Protein context (NP_000162.2, residues 231-251): NTGKFTCIEA[Arg241Trp]FHLERQMGYY